The following is an entry in ClinVar:

ClinVar aggregate classification (germline): Uncertain significance. Review status: criteria provided, multiple submitters, no conflicts (2 of 4 stars). 4 submissions from 4 submitters: Uncertain significance (3). 1 of the submissions does not count toward it. Last evaluated 2024-09-15.

Conditions:
Ataxia-telangiectasia syndrome (AT). Also called: ATAXIA-TELANGIECTASIA, COMPLEMENTATION GROUP A; ATAXIA-TELANGIECTASIA, FRESNO VARIANT; LOUIS-BAR SYNDROME; Ataxia telangiectasia (A-T); Cerebello-oculocutaneous telangiectasia; Immunodeficiency with ataxia telangiectasia. Identifiers: Orphanet 100, MedGen C0004135, MONDO:0008840, OMIM 208900.
Hereditary cancer-predisposing syndrome. Also called: Tumor predisposition; Neoplastic Syndromes, Hereditary; Hereditary Cancer Syndrome; Hereditary neoplastic syndrome. Identifiers: Orphanet 140162, MedGen C0027672, MeSH D009386, MONDO:0015356.

Allele frequency attached by ClinVar (database versions not stated): gnomAD exomes below 0.00001.
gnomAD v4.1: 1 of 1,613,884 alleles (0.000062%); highest among the groups gnomAD compares: Non-Finnish European, 0.000085%; no homozygotes.

Submissions (4):

Labcorp Genetics (formerly Invitae), Labcorp
Classification: Uncertain significance for Ataxia-telangiectasia syndrome. Last evaluated: 2024-09-15. Review status: criteria provided, single submitter. Criteria: Invitae Variant Classification Sherloc (09022015). Collection method: clinical testing. Allele origin: germline.
Comment: This sequence change replaces serine, which is neutral and polar, with phenylalanine, which is neutral and non-polar, at codon 151 of the ATM protein (p.Ser151Phe). This variant is not present in population databases (gnomAD no frequency). This missense change has been observed in individual(s) with breast and/or ovarian cancer (PMID: 12810666, 19781682). ClinVar contains an entry for this variant (Variation ID: 628240). An algorithm developed to predict the effect of missense changes on protein structure and function (PolyPhen-2) suggests that this variant is likely to be disruptive. In summary, the available evidence is currently insufficient to determine the role of this variant in disease. Therefore, it has been classified as a Variant of Uncertain Significance.

Ambry Genetics
Classification: Uncertain significance for Hereditary cancer-predisposing syndrome. Last evaluated: 2024-03-01. Review status: criteria provided, single submitter. Criteria: Ambry Variant Classification Scheme 2023. Collection method: clinical testing. Allele origin: germline.
Comment: The p.S151F variant (also known as c.452C>T), located in coding exon 4 of the ATM gene, results from a C to T substitution at nucleotide position 452. The serine at codon 151 is replaced by phenylalanine, an amino acid with highly dissimilar properties. This variant was identified in an Austrian family with HBOC that previously screened negative for mutations in BRCA1 and BRCA2 (Thorstenson YR et al. Cancer Res, 2003 Jun;63:3325-33). This alteration has also been detected in 1/4,112 breast cancer patients and 0/2,399 healthy control individuals across numerous studies (Tavtigian SV et al. Am J Hum Genet, 2009 Oct;85:427-46). This amino acid position is highly conserved in available vertebrate species. In addition, this alteration is predicted to be deleterious by in silico analysis. Based on the available evidence, the clinical significance of this alteration remains unclear.

Color Diagnostics, LLC DBA Color Health
Classification: Uncertain significance for Hereditary cancer-predisposing syndrome. Last evaluated: 2020-10-14. Review status: criteria provided, single submitter. Criteria: ACMG Guidelines, 2015. Collection method: clinical testing. Allele origin: germline.
Comment: This missense variant replaces serine with phenylalanine at codon 151 of the ATM protein. Computational prediction suggests that this variant may not impact protein structure and function (internally defined REVEL score threshold <= 0.5, PMID: 27666373). To our knowledge, functional studies have not been reported for this variant. This variant has been reported in individuals affected with breast and/or ovarian cancer in the literature (PMID 12810666, 19781682). This variant has not been identified in the general population by the Genome Aggregation Database (gnomAD). The available evidence is insufficient to determine the role of this variant in disease conclusively. Therefore, this variant is classified as a Variant of Uncertain Significance.

Natera, Inc.
Classification: Uncertain significance for Ataxia-telangiectasia. Last evaluated: 2021-08-03. Review status: no assertion criteria provided. Collection method: clinical testing. Allele origin: germline. Not counted in ClinVar's aggregate classification.

Literature cited by the submitters: PubMed 12810666 (cited by Labcorp Genetics (formerly Invitae), Labcorp and Ambry Genetics); PubMed 19781682 (cited by Labcorp Genetics (formerly Invitae), Labcorp and Ambry Genetics).

NM_000051.4(ATM):c.452C>T (p.Ser151Phe)

Gene: ATM (ATM serine/threonine kinase; plus strand). Cytogenetic location: 11q22.3.
Variant type: single nucleotide variant.
Coding change: c.452C>T on transcript NM_000051.4 (MANE Select); coding-DNA position 452, C replaced by T.
Protein change: p.Ser151Phe; replaces serine 151 with phenylalanine.
Molecular consequence: missense variant.
Genome position (GRCh38, 1-based): chr11:108,235,790, C>T. VCF-style: chr11-108235790-C-T. GRCh37 (hg19) VCF-style: chr11-108106517-C-T.
Other names: c.452C>T, p.Ser151Phe (NM_001351834.2); short protein forms S151F.
Identifiers: ClinVar variation 628240 (VCV000628240.20), dbSNP rs1565357249, ClinGen allele CA382525357.